The following is an entry in ClinVar:

NM_004444.5(EPHB4):c.848G>A (p.Gly283Glu)

Gene: EPHB4 (EPH receptor B4; minus strand). Cytogenetic location: 7q22.1.
Variant type: single nucleotide variant.
Coding change: c.848G>A on transcript NM_004444.5 (MANE Select); coding-DNA position 848, G replaced by A.
Protein change: p.Gly283Glu; replaces glycine 283 with glutamic acid.
Molecular consequence: missense variant.
Genome position (GRCh38, 1-based): chr7:100,820,257, C>T on the plus strand (G>A on the coding strand, the complement: EPHB4 is on the minus strand). VCF-style: chr7-100820257-C-T. GRCh37 (hg19) VCF-style: chr7-100417879-C-T.
Other names: p.Gly283Glu; short protein forms G283E.
Identifiers: ClinVar variation 1763570 (VCV001763570.8), dbSNP rs201531252, ClinGen allele CA4393178.

ClinVar aggregate classification (germline): Conflicting classifications of pathogenicity. Review status: criteria provided, conflicting classifications (1 of 4 stars). 6 submissions from 6 submitters: Uncertain significance (3); Likely benign (3). Last evaluated 2025-08-30.

Conditions:
Cardiovascular phenotype. Identifiers: MedGen CN230736.

Allele frequency attached by ClinVar (database versions not stated): gnomAD 0.00005; gnomAD exomes 0.00006; ExAC 0.00007; TOPMed 0.00010.

Submissions (6):

Mayo Clinic Laboratories, Mayo Clinic
Classification: Uncertain significance. Last evaluated: 2025-08-30. Review status: criteria provided, single submitter. Criteria: ACMG Guidelines, 2015. Collection method: clinical testing. Allele origin: germline. Observed: 1 variant allele.
Comment: BP4_moderate

Labcorp Genetics (formerly Invitae), Labcorp
Classification: Likely benign. Last evaluated: 2025-08-10. Review status: criteria provided, single submitter. Criteria: Invitae Variant Classification Sherloc (09022015). Collection method: clinical testing. Allele origin: germline.

Women's Health and Genetics/Laboratory Corporation of America, LabCorp
Classification: Uncertain significance. Last evaluated: 2025-07-24. Review status: criteria provided, single submitter. Criteria: LabCorp Variant Classification Summary - May 2015. Collection method: clinical testing. Allele origin: germline.
Comment: Variant summary: EPHB4 c.848G>A (p.Gly283Glu) results in a non-conservative amino acid change in the encoded protein sequence. Algorithms developed to predict the effect of missense changes on protein structure and function are either unavailable or do not agree on the potential impact of this missense change. The variant allele was found at a frequency of 6.4e-05 in 251278 control chromosomes (gnomAD). This frequency is not significantly higher than estimated for a pathogenic variant in EPHB4 causing Capillary Malformation-Arteriovenous Malformation 2, allowing no conclusion about variant significance. To our knowledge, no occurrence of c.848G>A in individuals affected with Capillary Malformation-Arteriovenous Malformation 2 and no experimental evidence demonstrating its impact on protein function have been reported. ClinVar contains an entry for this variant (Variation ID: 1763570). Based on the evidence outlined above, the variant was classified as uncertain significance.

Blueprint Genetics
Classification: Likely benign. Last evaluated: 2024-05-31. Review status: criteria provided, single submitter. Criteria: ACMG Guidelines, 2015. Collection method: clinical testing. Allele origin: germline.

ARUP Laboratories, Molecular Genetics and Genomics, ARUP Laboratories
Classification: Uncertain significance. Last evaluated: 2024-04-08. Review status: criteria provided, single submitter. Criteria: ARUP Molecular Germline Variant Investigation Process 2024. Collection method: clinical testing. Allele origin: germline.
Comment: The EPHB4 c.848G>A, p.Gly283Glu variant (rs201531252), to our knowledge, is not reported in the medical literature but is reported in ClinVar (Variation ID: 1763570). This variant is found in the non-Finnish European population with an allele frequency of 0.01% (13/113,644 alleles) in the Genome Aggregation Database (v2.1.1). Computational analyses predict that this variant is neutral (REVEL: 0.047). However, given the lack of clinical and functional data, the significance of this variant is uncertain at this time.

Ambry Genetics
Classification: Likely benign for Cardiovascular phenotype. Last evaluated: 2022-01-05. Review status: criteria provided, single submitter. Criteria: Ambry Variant Classification Scheme 2023. Collection method: clinical testing. Allele origin: germline.